The following is an entry in ClinVar:

NM_000094.4(COL7A1):c.8357C>T (p.Thr2786Met)

Gene: COL7A1 (collagen type VII alpha 1 chain; minus strand). Cytogenetic location: 3p21.31.
Variant type: single nucleotide variant.
Coding change: c.8357C>T on transcript NM_000094.4 (MANE Select); coding-DNA position 8357, C replaced by T.
Protein change: p.Thr2786Met; replaces threonine 2786 with methionine.
Molecular consequence: missense variant.
Genome position (GRCh38, 1-based): chr3:48,566,511, G>A on the plus strand (C>T on the coding strand, the complement: COL7A1 is on the minus strand). VCF-style: chr3-48566511-G-A. GRCh37 (hg19) VCF-style: chr3-48603944-G-A.
Other names: short protein forms T2786M.
Identifiers: ClinVar variation 2053238 (VCV002053238.4), dbSNP rs758840116, ClinGen allele CA2378062.

ClinVar aggregate classification (germline): Uncertain significance. Review status: criteria provided, multiple submitters, no conflicts (2 of 4 stars). 3 submissions from 3 submitters: Uncertain significance (2). 1 of the submissions does not count toward it. Last evaluated 2025-01-29.

Conditions:
COL7A1-related disorder. Also called: COL7A1- related disorders; COL7A1-related condition.
Inborn genetic diseases. Identifiers: MedGen C0950123, MeSH D030342.

Allele frequency attached by ClinVar (database versions not stated): gnomAD 0.00001; ExAC 0.00002; TOPMed 0.00002; gnomAD exomes 0.00003.
gnomAD v4.1: 43 of 1,504,366 alleles (0.0029%); highest among the groups gnomAD compares: Admixed American, 0.0071%; no homozygotes.

Submissions (3):

Ambry Genetics
Classification: Uncertain significance for Inborn genetic diseases. Last evaluated: 2025-01-29. Review status: criteria provided, single submitter. Criteria: Ambry Variant Classification Scheme 2023. Collection method: clinical testing. Allele origin: germline.

Labcorp Genetics (formerly Invitae), Labcorp
Classification: Uncertain significance. Last evaluated: 2022-08-06. Review status: criteria provided, single submitter. Criteria: Invitae Variant Classification Sherloc (09022015). Collection method: clinical testing. Allele origin: germline.
Comment: This sequence change replaces threonine, which is neutral and polar, with methionine, which is neutral and non-polar, at codon 2786 of the COL7A1 protein (p.Thr2786Met). This variant is present in population databases (rs758840116, gnomAD 0.01%). This variant has not been reported in the literature in individuals affected with COL7A1-related conditions. Algorithms developed to predict the effect of missense changes on protein structure and function are either unavailable or do not agree on the potential impact of this missense change (SIFT: "Deleterious"; PolyPhen-2: "Probably Damaging"; Align-GVGD: "Class C0"). In summary, the available evidence is currently insufficient to determine the role of this variant in disease. Therefore, it has been classified as a Variant of Uncertain Significance.

PreventionGenetics, part of Exact Sciences
Classification: Uncertain significance for COL7A1-related condition. Last evaluated: 2024-02-29. Review status: no assertion criteria provided. Collection method: clinical testing. Allele origin: germline. Not counted in ClinVar's aggregate classification.
Comment: The COL7A1 c.8357C>T variant is predicted to result in the amino acid substitution p.Thr2786Met. To our knowledge, this variant has not been reported in the literature. This variant is reported in 0.012% of alleles in individuals of Latino descent in gnomAD. At this time, the clinical significance of this variant is uncertain due to the absence of conclusive functional and genetic evidence.